The following is an entry in ClinVar:

NM_004370.6(COL12A1):c.2263A>G (p.Ile755Val)

Gene: COL12A1 (collagen type XII alpha 1 chain; minus strand). Cytogenetic location: 6q13.
Variant type: single nucleotide variant.
Coding change: c.2263A>G on transcript NM_004370.6 (MANE Select); coding-DNA position 2263, A replaced by G.
Protein change: p.Ile755Val; replaces isoleucine 755 with valine.
Molecular consequence: missense variant. On other transcripts: intron variant (1).
Genome position (GRCh38, 1-based): chr6:75,177,837, T>C on the plus strand (A>G on the coding strand, the complement: COL12A1 is on the minus strand). VCF-style: chr6-75177837-T-C. GRCh37 (hg19) VCF-style: chr6-75887553-T-C.
Other names: c.73+24883A>G (NM_080645.3); short protein forms I755V.
Identifiers: ClinVar variation 944346 (VCV000944346.10), dbSNP rs1769044982, ClinGen allele CA364764238.
Genomic context (GRCh38, chr6:75,177,837, plus strand): 5'-TCTGATTGGGTGGGGTGGTAACTTCTCTGCTCTCTCCACCAGCAACTGGTCTATATATAA[T>C]TCGATATCTTAAAACTCTCCCTGGAGCTTGAGTCCAAGTAATTTTGAAACTATCTGTAGT-3'
Protein context (NP_004361.3, residues 745-765): QAPGRVLRYR[Ile755Val]IYRPVAGGES

ClinVar aggregate classification (germline): Uncertain significance (1 of 4 stars; one submission).

Conditions:
Ullrich congenital muscular dystrophy 2 (UCMD2). Identifiers: Orphanet 75840, MedGen C4225314, MONDO:0014654, OMIM 616470.
Bethlem myopathy 2 (BTHLM2). Identifiers: Orphanet 536516, Orphanet 610, MedGen C4225313, MONDO:0034022, OMIM 616471.

gnomAD v4.1: 1 of 1,614,132 alleles (0.000062%); no homozygotes.

Submission:

Labcorp Genetics (formerly Invitae), Labcorp
Classification: Uncertain significance for Bethlem myopathy 2; Ullrich congenital muscular dystrophy 2. Last evaluated: 2021-02-10. Review status: criteria provided, single submitter. Criteria: Invitae Variant Classification Sherloc (09022015). Collection method: clinical testing. Allele origin: germline.
Comment: In summary, the available evidence is currently insufficient to determine the role of this variant in disease. Therefore, it has been classified as a Variant of Uncertain Significance. Algorithms developed to predict the effect of missense changes on protein structure and function output the following: SIFT: "Tolerated"; PolyPhen-2: "Benign"; Align-GVGD: "Class C0". The valine amino acid residue is found in multiple mammalian species, suggesting that this missense change does not adversely affect protein function. These predictions have not been confirmed by published functional studies and their clinical significance is uncertain. This variant has not been reported in the literature in individuals with COL12A1-related conditions. This variant is not present in population databases (ExAC no frequency). This sequence change replaces isoleucine with valine at codon 755 of the COL12A1 protein (p.Ile755Val). The isoleucine residue is moderately conserved and there is a small physicochemical difference between isoleucine and valine.